The following is an entry in ClinVar:

ClinVar aggregate classification (germline): Likely benign. Review status: criteria provided, multiple submitters, no conflicts (2 of 4 stars). 3 submissions from 3 submitters: Likely benign (3). Last evaluated 2022-10-20.

Conditions:
Cardiovascular phenotype. Identifiers: MedGen CN230736.
Spinocerebellar ataxia type 19/22 (SCA19). Also called: SPINOCEREBELLAR ATAXIA 22; SPINOCEREBELLAR ATAXIA 19. Identifiers: Orphanet 98772, MedGen C1846367, MONDO:0011819, OMIM 607346.

Allele frequency attached by ClinVar (database versions not stated): ESP Exome Variant Server 0.00015; gnomAD exomes 0.00001 and 0.00002; ExAC 0.00002; gnomAD 0.00002 and 0.00003; TOPMed 0.00003.
gnomAD v4.1: 16 of 1,613,872 alleles (0.00099%); highest among the groups gnomAD compares: Admixed American, 0.0017%; no homozygotes.

Submissions (3):

Labcorp Genetics (formerly Invitae), Labcorp
Classification: Likely benign for Spinocerebellar ataxia type 19/22. Last evaluated: 2022-10-20. Review status: criteria provided, single submitter. Criteria: Invitae Variant Classification Sherloc (09022015). Collection method: clinical testing. Allele origin: germline.

Ambry Genetics
Classification: Likely benign for Cardiovascular phenotype. Last evaluated: 2019-04-08. Review status: criteria provided, single submitter. Criteria: Ambry Variant Classification Scheme 2023. Collection method: clinical testing. Allele origin: germline.

GeneDx
Classification: Likely benign. Last evaluated: 2017-06-05. Review status: criteria provided, single submitter. Criteria: GeneDx Variant Classification (06012015). Collection method: clinical testing. Allele origin: germline. Affected: yes.
Comment: This variant is considered likely benign or benign based on one or more of the following criteria: it is a conservative change, it occurs at a poorly conserved position in the protein, it is predicted to be benign by multiple in silico algorithms, and/or has population frequency not consistent with disease.

NM_001378969.1(KCND3):c.879C>T (p.Arg293=)

Gene: KCND3 (potassium voltage-gated channel subfamily D member 3; minus strand). Cytogenetic location: 1p13.2.
Variant type: single nucleotide variant.
Coding change: c.879C>T on transcript NM_001378969.1 (MANE Select); coding-DNA position 879, C replaced by T.
Protein change: p.Arg293=; no amino-acid change (arginine 293 retained).
Molecular consequence: synonymous variant.
Genome position (GRCh38, 1-based): chr1:111,981,848, G>A on the plus strand (C>T on the coding strand, the complement: KCND3 is on the minus strand). VCF-style: chr1-111981848-G-A. GRCh37 (hg19) VCF-style: chr1-112524470-G-A.
Other names: c.879C>T, p.Arg293= (NM_001378970.1, NM_004980.5, NM_172198.3).
Identifiers: ClinVar variation 510014 (VCV000510014.7), dbSNP rs147739517, ClinGen allele CA1007539.